The following is an entry in ClinVar:

ClinVar aggregate classification (germline): Uncertain significance (1 of 4 stars; one submission).

Conditions:
Shprintzen-Goldberg syndrome (SGS). Also called: SHPRINTZEN-GOLDBERG CRANIOSYNOSTOSIS SYNDROME; CRANIOSYNOSTOSIS WITH ARACHNODACTYLY AND ABDOMINAL HERNIAS; Marfanoid disorder with craniosynostosis type 1; Marfanoid craniosynostosis syndrome; Shprintzen-Goldberg marfanoid syndrome. Identifiers: Orphanet 2462, MedGen C1321551, MONDO:0008426, OMIM 182212.

Submission:

Labcorp Genetics (formerly Invitae), Labcorp
Classification: Uncertain significance for Shprintzen-Goldberg syndrome. Last evaluated: 2018-10-29. Review status: criteria provided, single submitter. Criteria: Invitae Variant Classification Sherloc (09022015). Collection method: clinical testing. Allele origin: germline.
Comment: Algorithms developed to predict the effect of missense changes on protein structure and function are either unavailable or do not agree on the potential impact of this missense change (SIFT: "Deleterious"; PolyPhen-2: "Possibly Damaging"; Align-GVGD: "Class C0"). In summary, the available evidence is currently insufficient to determine the role of this variant in disease. Therefore, it has been classified as a Variant of Uncertain Significance. This variant has not been reported in the literature in individuals with SKI-related disease. This sequence change replaces lysine with arginine at codon 584 of the SKI protein (p.Lys584Arg). The lysine residue is highly conserved and there is a small physicochemical difference between lysine and arginine. This variant is not present in population databases (ExAC no frequency).

NM_003036.4(SKI):c.1751A>G (p.Lys584Arg)

Gene: SKI (SKI proto-oncogene; plus strand). Cytogenetic location: 1p36.32.
Variant type: single nucleotide variant.
Coding change: c.1751A>G on transcript NM_003036.4 (MANE Select); coding-DNA position 1751, A replaced by G.
Protein change: p.Lys584Arg; replaces lysine 584 with arginine.
Molecular consequence: missense variant.
Genome position (GRCh38, 1-based): chr1:2,304,569, A>G. VCF-style: chr1-2304569-A-G. GRCh37 (hg19) VCF-style: chr1-2236008-A-G.
Other names: short protein forms K584R.
Identifiers: ClinVar variation 649322 (VCV000649322.8), dbSNP rs1569862379, ClinGen allele CA337957880.